The following is an entry in ClinVar:

NM_001348195.2(GPR42):c.21G>C (p.Gln7His)

Gene: GPR42 (G protein-coupled receptor 42; plus strand). Cytogenetic location: 19q13.12.
Variant type: single nucleotide variant.
Coding change: c.21G>C on transcript NM_001348195.2 (MANE Select); coding-DNA position 21, G replaced by C.
Protein change: p.Gln7His; replaces glutamine 7 with histidine.
Molecular consequence: missense variant.
Genome position (GRCh38, 1-based): chr19:35,371,380, G>C. VCF-style: chr19-35371380-G-C. GRCh37 (hg19) VCF-style: chr19-35862282-G-C.
Other names: short protein forms Q7H.
Identifiers: ClinVar variation 2649719 (VCV002649719.24), dbSNP rs200980961, ClinGen allele CA9377798.

ClinVar aggregate classification (germline): Likely benign (1 of 4 stars; one submission).

Allele frequency attached by ClinVar (database versions not stated): 1000 Genomes Project 0.00120; gnomAD exomes 0.00149; ExAC 0.00207; gnomAD 0.00216.
gnomAD v4.1: 1,173 of 756,886 alleles (0.15%); highest among the groups gnomAD compares: Middle Eastern, 0.29%; 263 homozygotes.

Submission:

CeGaT Center for Human Genetics Tuebingen
Classification: Likely benign. Last evaluated: 2025-12-01. Review status: criteria provided, single submitter. Criteria: CeGaT Center For Human Genetics Tuebingen Variant Classification Criteria Version 2. Collection method: clinical testing. Allele origin: germline. Affected: yes. Observed: 4 variant alleles.
Comment: GPR42: BP4, BS2